The following is an entry in ClinVar:

ClinVar aggregate classification (germline): Likely benign (1 of 4 stars; one submission).

Conditions:
TRPC5-related disorder. Also called: TRPC5-related condition.

gnomAD v4.1: 46 of 1,209,404 alleles (0.0038%); highest among the groups gnomAD compares: Non-Finnish European, 0.0049%; no homozygotes.

Submission:

PreventionGenetics, part of Exact Sciences
Classification: Likely benign for TRPC5-related condition. Last evaluated: 2025-09-09. Review status: criteria provided, single submitter. Criteria: ACMG Guidelines, 2015. Collection method: clinical testing. Allele origin: germline.
Comment: This variant is classified as likely benign based on ACMG/AMP sequence variant interpretation guidelines (Richards et al. 2015 PMID: 25741868, with internal and published modifications).

NM_012471.3(TRPC5):c.1743C>T (p.Gly581=)

Gene: TRPC5 (transient receptor potential cation channel subfamily C member 5; minus strand). Cytogenetic location: Xq23.
Variant type: single nucleotide variant.
Coding change: c.1743C>T on transcript NM_012471.3 (MANE Select); coding-DNA position 1743, C replaced by T.
Protein change: p.Gly581=; no amino-acid change (glycine 581 retained).
Molecular consequence: synonymous variant.
Genome position (GRCh38, 1-based): chrX:111,835,074, G>A on the plus strand (C>T on the coding strand, the complement: TRPC5 is on the minus strand). VCF-style: chrX-111835074-G-A. GRCh37 (hg19) VCF-style: chrX-111078302-G-A.
Identifiers: ClinVar variation 4989147 (VCV004989147.1).